The following is an entry in ClinVar:

ClinVar aggregate classification (germline): Uncertain significance (1 of 4 stars; one submission).

Conditions:
Inborn genetic diseases. Identifiers: MedGen C0950123, MeSH D030342.

Submission:

Ambry Genetics
Classification: Uncertain significance for Inborn genetic diseases. Last evaluated: 2025-05-10. Review status: criteria provided, single submitter. Criteria: Ambry Variant Classification Scheme 2023. Collection method: clinical testing. Allele origin: germline.
Comment: The p.Q595P variant (also known as c.1784A>C), located in coding exon 12 of the BMPR2 gene, results from an A to C substitution at nucleotide position 1784. The glutamine at codon 595 is replaced by proline, an amino acid with similar properties. This amino acid position is conserved. In addition, the in silico prediction for this alteration is inconclusive. Based on the available evidence, the clinical significance of this variant remains unclear.

NM_001204.7(BMPR2):c.1784A>C (p.Gln595Pro)

Gene: BMPR2 (bone morphogenetic protein receptor type 2; plus strand). Cytogenetic location: 2q33.2.
Variant type: single nucleotide variant.
Coding change: c.1784A>C on transcript NM_001204.7 (MANE Select); coding-DNA position 1784, A replaced by C.
Protein change: p.Gln595Pro; replaces glutamine 595 with proline.
Molecular consequence: missense variant.
Genome position (GRCh38, 1-based): chr2:202,555,449, A>C. VCF-style: chr2-202555449-A-C. GRCh37 (hg19) VCF-style: chr2-203420172-A-C.
Other names: short protein forms Q595P.
Identifiers: ClinVar variation 3992159 (VCV003992159.1).